The following is an entry in ClinVar:

ClinVar aggregate classification (germline): Uncertain significance (1 of 4 stars; one submission).

Conditions:
Epileptic encephalopathy. Identifiers: MedGen C0543888, HP:0200134.

gnomAD v4.1: 10 of 1,604,122 alleles (0.00062%); highest among the groups gnomAD compares: African/African-American, 0.011%; no homozygotes.

Submission:

Labcorp Genetics (formerly Invitae), Labcorp
Classification: Uncertain significance for Epileptic encephalopathy. Last evaluated: 2025-03-31. Review status: criteria provided, single submitter. Criteria: Invitae Variant Classification Sherloc (09022015). Collection method: clinical testing. Allele origin: germline.
Comment: This sequence change replaces glutamic acid, which is acidic and polar, with aspartic acid, which is acidic and polar, at codon 285 of the FASN protein (p.Glu285Asp). This variant is not present in population databases (gnomAD no frequency). This variant has not been reported in the literature in individuals affected with FASN-related conditions. ClinVar contains an entry for this variant (Variation ID: 1509712). An algorithm developed to predict the effect of missense changes on protein structure and function outputs the following: PolyPhen-2: "Benign". The aspartic acid amino acid residue is found in multiple mammalian species, which suggests that this missense change does not adversely affect protein function. In summary, the available evidence is currently insufficient to determine the role of this variant in disease. Therefore, it has been classified as a Variant of Uncertain Significance.

NM_004104.5(FASN):c.855G>C (p.Glu285Asp)

Gene: FASN (fatty acid synthase; minus strand). Cytogenetic location: 17q25.3.
Variant type: single nucleotide variant.
Coding change: c.855G>C on transcript NM_004104.5 (MANE Select); coding-DNA position 855, G replaced by C.
Protein change: p.Glu285Asp; replaces glutamic acid 285 with aspartic acid.
Molecular consequence: missense variant.
Genome position (GRCh38, 1-based): chr17:82,092,736, C>G on the plus strand (G>C on the coding strand, the complement: FASN is on the minus strand). VCF-style: chr17-82092736-C-G. GRCh37 (hg19) VCF-style: chr17-80050612-C-G.
Other names: short protein forms E285D.
Identifiers: ClinVar variation 1509712 (VCV001509712.8), dbSNP rs755195686, ClinGen allele CA401562718.